The following is an entry in ClinVar:

ClinVar aggregate classification (germline): Benign. Review status: criteria provided, single submitter (1 of 4 stars). 2 submissions from 2 submitters: Benign (1). 1 of the submissions does not count toward it. Last evaluated 2026-01-22.

Conditions:
LCT-related disorder. Also called: LCT-related condition.

Submissions (2):

Labcorp Genetics (formerly Invitae), Labcorp
Classification: Benign. Last evaluated: 2026-01-22. Review status: criteria provided, single submitter. Criteria: Invitae Variant Classification Sherloc (09022015). Collection method: clinical testing. Allele origin: germline.

PreventionGenetics, part of Exact Sciences
Classification: Benign for LCT-related condition. Last evaluated: 2020-03-18. Review status: no assertion criteria provided. Collection method: clinical testing. Allele origin: germline. Not counted in ClinVar's aggregate classification.
Comment: This variant is classified as benign based on ACMG/AMP sequence variant interpretation guidelines (Richards et al. 2015 PMID: 25741868, with internal and published modifications).

NM_002299.4(LCT):c.4173+6_4173+8del

Gene: LCT (lactase; minus strand). Cytogenetic location: 2q21.3.
Variant type: Microsatellite.
Coding change: c.4173+6_4173+8del on transcript NM_002299.4 (MANE Select); bases 6 to 8 of the intron after coding-DNA position 4173, 3 bases deleted (GAG; older notation c.4173+6_4173+8delGAG).
Molecular consequence: intron variant.
Genome position (GRCh38, 1-based): chr2:135,807,120-135,807,122, CTC deleted on the plus strand (GAG on the coding strand, the reverse complement: LCT is on the minus strand); deleting any 3 consecutive bases within chr2:135,807,120-135,807,125 gives the same sequence; the c. name uses the placement nearest the transcript's 3' end. VCF-style (leftmost placement, unchanged base first): chr2-135807119-ACTC-A. GRCh37 (hg19) VCF-style: chr2-136564689-ACTC-A.
Other names: c.4173+6_4173+8del (NM_002299.3).
Identifiers: ClinVar variation 331178 (VCV000331178.17), dbSNP rs375300532, ClinGen allele CA1887913.